The following is an entry in ClinVar:

NC_000005.10:g.112707403G>C

Gene: APC (APC regulator of Wnt signaling pathway; plus strand). Cytogenetic location: 5q22.2.
Variant type: single nucleotide variant.
Genome position: GRCh38 VCF-style: chr5-112707403-G-C. GRCh37 (hg19) VCF-style: chr5-112043100-G-C.
Identifiers: ClinVar variation 469883 (VCV000469883.12), dbSNP rs1035047381, ClinGen allele CA124924622.

ClinVar aggregate classification (germline): Uncertain significance. Review status: criteria provided, multiple submitters, no conflicts (2 of 4 stars). 2 submissions from 2 submitters: Uncertain significance (2). Last evaluated 2026-09-23.

Conditions:
APC-related disorder. Also called: APC-related condition.
Familial adenomatous polyposis 1 (FAP1). Also called: FAMILIAL ADENOMATOUS POLYPOSIS 1, ATTENUATED; POLYPOSIS, ADENOMATOUS INTESTINAL. Identifiers: MedGen C2713442, MONDO:0021056, OMIM 175100. Disease mechanism: loss of function.

Allele frequency attached by ClinVar (database versions not stated): gnomAD 0.00011 and 0.00010; TOPMed 0.00008.

Submissions (2):

PreventionGenetics, part of Exact Sciences
Classification: Uncertain significance for APC-related condition. Last evaluated: 2026-09-23. Review status: criteria provided, single submitter. Criteria: ACMG Guidelines, 2015. Collection method: clinical testing. Allele origin: germline.
Comment: The APC c.-30541G>C variant is located in the 5' untranslated region. This variant is also known as c.-315G>C on the promoter 1B transcript (NM_001127511.2). To our knowledge, this variant has not been reported in the literature. This variant is reported in 0.034% of alleles in individuals of African descent in gnomAD. This variant is interpreted as uncertain in ClinVar (Variation ID: 469883). At this time, the clinical significance of this variant is uncertain due to the absence of conclusive functional and genetic evidence.

Labcorp Genetics (formerly Invitae), Labcorp
Classification: Uncertain significance for Familial adenomatous polyposis 1. Last evaluated: 2025-12-09. Review status: criteria provided, single submitter. Criteria: Invitae Variant Classification Sherloc (09022015). Collection method: clinical testing. Allele origin: germline.
Comment: This variant occurs in a non-coding region of the APC gene. It does not change the encoded amino acid sequence of the APC protein. This variant is present in population databases (no rsID available, gnomAD 0.03%). This variant has not been reported in the literature in individuals affected with APC-related conditions. ClinVar contains an entry for this variant (Variation ID: 469883). Experimental studies and prediction algorithms are not available or were not evaluated, and the functional significance of this variant is currently unknown. In summary, the available evidence is currently insufficient to determine the role of this variant in disease. Therefore, it has been classified as a Variant of Uncertain Significance.